The following is an entry in ClinVar:

ClinVar aggregate classification (germline): Uncertain significance. Review status: criteria provided, multiple submitters, no conflicts (2 of 4 stars). 2 submissions from 2 submitters: Uncertain significance (2). Last evaluated 2025-09-08.

Conditions:
Familial cancer of breast. Also called: BREAST CANCER, FAMILIAL; Hereditary breast cancer; hereditary breast carcinoma. Identifiers: Orphanet 227535, MedGen C0346153, MONDO:0016419, OMIM 114480. Disease mechanism: loss of function.
Ataxia-telangiectasia syndrome (AT). Also called: Ataxia telangiectasia (A-T); Ataxia-telangiectasia; Cerebello-oculocutaneous telangiectasia; Immunodeficiency with ataxia telangiectasia; ATAXIA-TELANGIECTASIA, FRESNO VARIANT; LOUIS-BAR SYNDROME. Identifiers: Orphanet 100, MedGen C0004135, MONDO:0008840, OMIM 208900.

Allele frequency attached by ClinVar (database versions not stated): gnomAD exomes below 0.00001.
gnomAD v4.1: 1 of 1,614,026 alleles (0.000062%); highest among the groups gnomAD compares: Non-Finnish European, 0.000085%; no homozygotes.

Submissions (2):

Labcorp Genetics (formerly Invitae), Labcorp
Classification: Uncertain significance for Ataxia-telangiectasia syndrome. Last evaluated: 2025-09-08. Review status: criteria provided, single submitter. Criteria: Invitae Variant Classification Sherloc (09022015). Collection method: clinical testing. Allele origin: germline.
Comment: This sequence change replaces aspartic acid, which is acidic and polar, with glutamic acid, which is acidic and polar, at codon 398 of the ATM protein (p.Asp398Glu). This variant is present in population databases (no rsID available, gnomAD 0.0009%). This variant has not been reported in the literature in individuals affected with ATM-related conditions. ClinVar contains an entry for this variant (Variation ID: 976426). Invitae Evidence Modeling of protein sequence and biophysical properties (such as structural, functional, and spatial information, amino acid conservation, physicochemical variation, residue mobility, and thermodynamic stability) indicates that this missense variant is not expected to disrupt ATM protein function with a negative predictive value of 95%. In summary, the available evidence is currently insufficient to determine the role of this variant in disease. Therefore, it has been classified as a Variant of Uncertain Significance.

Institute of Human Genetics, University of Leipzig Medical Center
Classification: Uncertain significance for Familial cancer of breast. Last evaluated: 2018-12-03. Review status: criteria provided, single submitter. Criteria: ACMG Guidelines, 2015. Collection method: clinical testing. Allele origin: germline. Affected: yes. Observed: 1 variant allele.

NM_000051.4(ATM):c.1194T>A (p.Asp398Glu)

Gene: ATM (ATM serine/threonine kinase; plus strand). Cytogenetic location: 11q22.3.
Variant type: single nucleotide variant.
Coding change: c.1194T>A on transcript NM_000051.4 (MANE Select); coding-DNA position 1194, T replaced by A.
Protein change: p.Asp398Glu; replaces aspartic acid 398 with glutamic acid.
Molecular consequence: missense variant.
Genome position (GRCh38, 1-based): chr11:108,249,061, T>A. VCF-style: chr11-108249061-T-A. GRCh37 (hg19) VCF-style: chr11-108119788-T-A.
Other names: c.1194T>A, p.Asp398Glu (NM_001351834.2); short protein forms D398E.
Identifiers: ClinVar variation 976426 (VCV000976426.7), dbSNP rs551872656, ClinGen allele CA382532578.